The following is an entry in ClinVar:

NM_144991.3(TSPEAR):c.915G>A (p.Val305=)

Gene: TSPEAR (thrombospondin type laminin G domain and EAR repeats; minus strand). Cytogenetic location: 21q22.3.
Variant type: single nucleotide variant.
Coding change: c.915G>A on transcript NM_144991.3 (MANE Select); coding-DNA position 915, G replaced by A.
Protein change: p.Val305=; no amino-acid change (valine 305 retained).
Molecular consequence: synonymous variant.
Genome position (GRCh38, 1-based): chr21:44,528,459, C>T on the plus strand (G>A on the coding strand, the complement: TSPEAR is on the minus strand). VCF-style: chr21-44528459-C-T. GRCh37 (hg19) VCF-style: chr21-45948342-C-T.
Other names: c.711G>A, p.Val237= (NM_001272037.2); c.915G>A (NM_144991.2).
Identifiers: ClinVar variation 3013179 (VCV003013179.4), dbSNP rs201202780, ClinGen allele CA10056806.

ClinVar aggregate classification (germline): Conflicting classifications of pathogenicity. Review status: criteria provided, conflicting classifications (1 of 4 stars). 3 submissions from 3 submitters: Uncertain significance (1); Likely benign (2). Last evaluated 2024-08-19.

Allele frequency attached by ClinVar (database versions not stated): gnomAD 0.00001; gnomAD exomes 0.00002; ExAC 0.00003.
gnomAD v4.1: 34 of 1,613,748 alleles (0.0021%); highest among the groups gnomAD compares: Middle Eastern, 0.016%; no homozygotes.

Submissions (3):

GeneDx
Classification: Uncertain significance. Last evaluated: 2024-08-19. Review status: criteria provided, single submitter. Criteria: GeneDx Variant Classification Process June 2021. Collection method: clinical testing. Allele origin: germline. Affected: yes.
Comment: In silico analysis indicates that this variant does not alter splicing; Has not been previously published as pathogenic or benign to our knowledge

Blueprint Genetics
Classification: Likely benign. Last evaluated: 2024-06-13. Review status: criteria provided, single submitter. Criteria: ACMG Guidelines, 2015. Collection method: clinical testing. Allele origin: germline.

Labcorp Genetics (formerly Invitae), Labcorp
Classification: Likely benign. Last evaluated: 2023-04-11. Review status: criteria provided, single submitter. Criteria: Invitae Variant Classification Sherloc (09022015). Collection method: clinical testing. Allele origin: germline.